The following is an entry in ClinVar:

ClinVar aggregate classification (germline): Uncertain significance (1 of 4 stars; one submission).

Conditions:
Cardiac malformation, cleft lip/palate, microcephaly, and digital anomalies. Also called: CLEFT PALATE, CARDIAC DEFECTS, AND IMPAIRED INTELLECTUAL DEVELOPMENT. Identifiers: MedGen C1832950, MONDO:0010970, OMIM 600987.

Allele frequency attached by ClinVar (database versions not stated): gnomAD 0.00002 and 0.00005; TOPMed 0.00002; gnomAD exomes 0.00003 and 0.00006; ExAC 0.00004; 1000 Genomes Project 30x 0.00078; 1000 Genomes Project 0.00080.
gnomAD v4.1: 46 of 1,614,196 alleles (0.0028%); highest among the groups gnomAD compares: East Asian, 0.038%; no homozygotes.

Submission:

Labcorp Genetics (formerly Invitae), Labcorp
Classification: Uncertain significance for Cardiac malformation, cleft lip/palate, microcephaly, and digital anomalies. Last evaluated: 2024-03-11. Review status: criteria provided, single submitter. Criteria: Invitae Variant Classification Sherloc (09022015). Collection method: clinical testing. Allele origin: germline.
Comment: This sequence change replaces leucine, which is neutral and non-polar, with isoleucine, which is neutral and non-polar, at codon 203 of the MEIS2 protein (p.Leu203Ile). This variant is present in population databases (rs185278462, gnomAD 0.05%). This variant has not been reported in the literature in individuals affected with MEIS2-related conditions. ClinVar contains an entry for this variant (Variation ID: 1503126). Advanced modeling of protein sequence and biophysical properties (such as structural, functional, and spatial information, amino acid conservation, physicochemical variation, residue mobility, and thermodynamic stability) performed at Invitae indicates that this missense variant is not expected to disrupt MEIS2 protein function with a negative predictive value of 80%. In summary, the available evidence is currently insufficient to determine the role of this variant in disease. Therefore, it has been classified as a Variant of Uncertain Significance.

NM_170675.5(MEIS2):c.607C>A (p.Leu203Ile)

Gene: MEIS2 (Meis homeobox 2; minus strand). Cytogenetic location: 15q14.
Variant type: single nucleotide variant.
Coding change: c.607C>A on transcript NM_170675.5 (MANE Select); coding-DNA position 607, C replaced by A.
Protein change: p.Leu203Ile; replaces leucine 203 with isoleucine.
Molecular consequence: missense variant. On other transcripts: non-coding transcript variant (1).
Genome position (GRCh38, 1-based): chr15:37,093,613, G>T on the plus strand (C>A on the coding strand, the complement: MEIS2 is on the minus strand). VCF-style: chr15-37093613-G-T. GRCh37 (hg19) VCF-style: chr15-37385814-G-T.
Other names: c.607C>A, p.Leu203Ile (NM_001220482.2, NM_170674.5, NM_170676.5 and 1 more transcripts); c.568C>A, p.Leu190Ile (NM_002399.4, NM_172315.3); c.343C>A, p.Leu115Ile (NM_172316.3); short protein forms L115I, L190I, L203I.
Identifiers: ClinVar variation 1503126 (VCV001503126.8), dbSNP rs185278462, ClinGen allele CA7469345.